The following is an entry in ClinVar:

ClinVar aggregate classification (germline): Conflicting classifications of pathogenicity. Review status: criteria provided, conflicting classifications (1 of 4 stars). 4 submissions from 4 submitters: Uncertain significance (3); Likely benign (1). Last evaluated 2025-11-24.

Conditions:
Retinitis pigmentosa 86. Identifiers: MedGen C5231428, MONDO:0032834, OMIM 618613.
Inborn genetic diseases. Identifiers: MedGen C0950123, MeSH D030342.

Allele frequency attached by ClinVar (database versions not stated): 1000 Genomes Project 30x 0.00016; TOPMed 0.00028; gnomAD 0.00030; gnomAD exomes 0.00048.
gnomAD v4.1: 539 of 1,193,330 alleles (0.045%); highest among the groups gnomAD compares: Middle Eastern, 0.066%; 1 homozygote.

Submissions (4):

Labcorp Genetics (formerly Invitae), Labcorp
Classification: Uncertain significance. Last evaluated: 2025-11-24. Review status: criteria provided, single submitter. Criteria: Invitae Variant Classification Sherloc (09022015). Collection method: clinical testing. Allele origin: germline.
Comment: This sequence change replaces arginine, which is basic and polar, with histidine, which is basic and polar, at codon 39 of the KIAA1549 protein (p.Arg39His). This variant is present in population databases (no rsID available, gnomAD 0.1%). This variant has not been reported in the literature in individuals affected with KIAA1549-related conditions. ClinVar contains an entry for this variant (Variation ID: 1037521). An algorithm developed to predict the effect of missense changes on protein structure and function outputs the following: PolyPhen-2: "Benign". The histidine amino acid residue is found in multiple mammalian species, which suggests that this missense change does not adversely affect protein function. In summary, the available evidence is currently insufficient to determine the role of this variant in disease. Therefore, it has been classified as a Variant of Uncertain Significance.

Ambry Genetics
Classification: Uncertain significance for Inborn genetic diseases. Last evaluated: 2024-10-03. Review status: criteria provided, single submitter. Criteria: Ambry Variant Classification Scheme 2023. Collection method: clinical testing. Allele origin: germline.

Blueprint Genetics
Classification: Likely benign. Last evaluated: 2024-09-30. Review status: criteria provided, single submitter. Criteria: ACMG Guidelines, 2015. Collection method: clinical testing. Allele origin: germline.

Fulgent Genetics
Classification: Uncertain significance for Retinitis pigmentosa 86. Last evaluated: 2021-09-02. Review status: criteria provided, single submitter. Criteria: ACMG Guidelines, 2015. Collection method: clinical testing. Allele origin: unknown.

NM_001164665.2(KIAA1549):c.116G>A (p.Arg39His)

Gene: KIAA1549 (KIAA1549; minus strand). Cytogenetic location: 7q34.
Variant type: single nucleotide variant.
Coding change: c.116G>A on transcript NM_001164665.2 (MANE Select); coding-DNA position 116, G replaced by A.
Protein change: p.Arg39His; replaces arginine 39 with histidine.
Molecular consequence: missense variant.
Genome position (GRCh38, 1-based): chr7:138,981,154, C>T on the plus strand (G>A on the coding strand, the complement: KIAA1549 is on the minus strand). VCF-style: chr7-138981154-C-T. GRCh37 (hg19) VCF-style: chr7-138665900-C-T.
Other names: c.116G>A, p.Arg39His (NM_020910.3); c.116G>A (NM_001164665.1); short protein forms R39H.
Identifiers: ClinVar variation 1037521 (VCV001037521.9), dbSNP rs867020397, ClinGen allele CA167169270.